The following is an entry in ClinVar:

ClinVar aggregate classification (germline): Uncertain significance (1 of 4 stars; one submission).

Conditions:
Megaconial type congenital muscular dystrophy (MDCMC). Also called: CHKB-Related Muscular Dystrophy; CHKB-Related Muscle Diseases; MUSCULAR DYSTROPHY, CONGENITAL, WITH MITOCHONDRIAL STRUCTURAL ABNORMALITIES. Identifiers: Orphanet 280671, MedGen C1865233, MONDO:0011246, OMIM 602541.

Submission:

Labcorp Genetics (formerly Invitae), Labcorp
Classification: Uncertain significance for Megaconial type congenital muscular dystrophy. Last evaluated: 2024-12-24. Review status: criteria provided, single submitter. Criteria: Invitae Variant Classification Sherloc (09022015). Collection method: clinical testing. Allele origin: germline.
Comment: This sequence change replaces isoleucine, which is neutral and non-polar, with valine, which is neutral and non-polar, at codon 243 of the CHKB protein (p.Ile243Val). This variant is not present in population databases (gnomAD no frequency). This variant has not been reported in the literature in individuals affected with CHKB-related conditions. Invitae Evidence Modeling of protein sequence and biophysical properties (such as structural, functional, and spatial information, amino acid conservation, physicochemical variation, residue mobility, and thermodynamic stability) indicates that this missense variant is not expected to disrupt CHKB protein function with a negative predictive value of 80%. In summary, the available evidence is currently insufficient to determine the role of this variant in disease. Therefore, it has been classified as a Variant of Uncertain Significance.

NM_005198.5(CHKB):c.727A>G (p.Ile243Val)

Genes: CHKB (choline kinase beta; minus strand), CHKB-CPT1B (CHKB-CPT1B readthrough (NMD candidate); minus strand). Cytogenetic location: 22q13.33.
Variant type: single nucleotide variant.
Coding change: c.727A>G on transcript NM_005198.5 (MANE Select); coding-DNA position 727, A replaced by G.
Protein change: p.Ile243Val; replaces isoleucine 243 with valine.
Molecular consequence: missense variant. On other transcripts: non-coding transcript variant (1).
Genome position (GRCh38, 1-based): chr22:50,580,367, T>C on the plus strand (A>G on the coding strand, the complement: CHKB is on the minus strand). VCF-style: chr22-50580367-T-C. GRCh37 (hg19) VCF-style: chr22-51018796-T-C.
Other names: short protein forms I243V.
Identifiers: ClinVar variation 3665620 (VCV003665620.2).